The following is an entry in ClinVar:

NM_001048174.2(MUTYH):c.1322T>A (p.Val441Glu)

Gene: MUTYH (mutY DNA glycosylase; minus strand). Cytogenetic location: 1p34.1.
Variant type: single nucleotide variant.
Coding change: c.1322T>A on transcript NM_001048174.2 (MANE Select); coding-DNA position 1322, T replaced by A.
Protein change: p.Val441Glu; replaces valine 441 with glutamic acid.
Molecular consequence: missense variant. On other transcripts: non-coding transcript variant (7).
Genome position (GRCh38, 1-based): chr1:45,331,252, A>T on the plus strand (T>A on the coding strand, the complement: MUTYH is on the minus strand). VCF-style: chr1-45331252-A-T. GRCh37 (hg19) VCF-style: chr1-45796924-A-T.
Other names: c.1322T>A, p.Val441Glu (NM_001048171.2, NM_001048173.2, NM_001293195.2 and 6 more transcripts); c.1325T>A, p.Val442Glu (NM_001048172.2, NM_001407071.1, NM_001407078.1 and 1 more transcripts); c.1406T>A, p.Val469Glu (NM_001128425.2); c.1367T>A, p.Val456Glu (NM_001293190.2); c.1355T>A, p.Val452Glu (NM_001293191.2, NM_001407069.1, NM_001407077.1); c.1046T>A, p.Val349Glu (NM_001293192.2, NM_001293196.2, NM_001407091.1); c.977T>A, p.Val326Glu (NM_001350650.2, NM_001350651.2, NM_001407082.1); c.1238T>A, p.Val413Glu (NM_001407075.1); and 5 more; short protein forms V441E, V455E, V326E, V427E, V466E, V413E, V428E, V448E.
Identifiers: ClinVar variation 4113222 (VCV004113222.1).

ClinVar aggregate classification (germline): Uncertain significance (1 of 4 stars; one submission).

Conditions:
Hereditary cancer-predisposing syndrome. Also called: Tumor predisposition; Neoplastic Syndromes, Hereditary; Hereditary neoplastic syndrome; Hereditary Cancer Syndrome. Identifiers: Orphanet 140162, MedGen C0027672, MeSH D009386, MONDO:0015356.

Submission:

Ambry Genetics
Classification: Uncertain significance for Hereditary cancer-predisposing syndrome. Last evaluated: 2025-08-27. Review status: criteria provided, single submitter. Criteria: Ambry Variant Classification Scheme 2023. Collection method: clinical testing. Allele origin: germline.
Comment: The p.V469E variant (also known as c.1406T>A), located in coding exon 14 of the MUTYH gene, results from a T to A substitution at nucleotide position 1406. The valine at codon 469 is replaced by glutamic acid, an amino acid with dissimilar properties. This amino acid position is conserved. In addition, this alteration is predicted to be tolerated by in silico analysis. Based on the available evidence, the clinical significance of this variant remains unclear.